The following is an entry in ClinVar:

NM_018979.4(WNK1):c.684C>T (p.Gly228=)

Gene: WNK1 (WNK lysine deficient protein kinase 1; plus strand). Cytogenetic location: 12p13.33.
Variant type: single nucleotide variant.
Coding change: c.684C>T on transcript NM_018979.4 (MANE Select); coding-DNA position 684, C replaced by T.
Protein change: p.Gly228=; no amino-acid change (glycine 228 retained).
Molecular consequence: synonymous variant.
Genome position (GRCh38, 1-based): chr12:754,249, C>T. VCF-style: chr12-754249-C-T. GRCh37 (hg19) VCF-style: chr12-863415-C-T.
Other names: p.Gly228=; c.684C>T, p.Gly228= (NM_001184985.2, NM_014823.3, NM_213655.5).
Identifiers: ClinVar variation 310546 (VCV000310546.34), dbSNP rs72647374, ClinGen allele CA6381827.
Genomic context (GRCh38, chr12:754,249, plus strand): 5'-GACCAAGGCCGTGGGAATGTCTAACGATGGCCGCTTTCTCAAGTTTGACATCGAAATCGG[C>T]AGAGGCTCCTTTAAGACGGTCTACAAAGGTCTGGACACTGAAACCACCGTGGAAGTCGCC-3'
Protein context (NP_061852.3, residues 218-238): GRFLKFDIEI[Gly228=]RGSFKTVYKG

ClinVar aggregate classification (germline): Benign/Likely benign. Review status: criteria provided, multiple submitters, no conflicts (2 of 4 stars). 10 submissions from 10 submitters: Benign (6); Likely benign (2). 2 of the submissions do not count toward it. Last evaluated 2026-01-25.

Conditions:
Neuropathy, hereditary sensory and autonomic, type 2A (HSAN2A). Also called: ACROOSTEOLYSIS, GIACCAI TYPE; ACROOSTEOLYSIS, NEUROGENIC; MORVAN DISEASE; NEUROPATHY, CONGENITAL SENSORY; NEUROPATHY, HEREDITARY SENSORY RADICULAR, AUTOSOMAL RECESSIVE; NEUROPATHY, HEREDITARY SENSORY, TYPE IIA. Identifiers: Orphanet 970, MedGen C2752089, MONDO:0024309, OMIM 201300.
Pseudohypoaldosteronism type 2C (PHA2C). Also called: Pseudohypoaldosteronism Type IIC. Identifiers: Orphanet 757, Orphanet 88940, MedGen C1840391, MONDO:0013778, OMIM 614492.

Allele frequency attached by ClinVar (database versions not stated): gnomAD exomes 0.00119 and 0.00279; ExAC 0.00335; gnomAD 0.00696 and 0.00748; ESP Exome Variant Server 0.00761; TOPMed 0.00803; 1000 Genomes Project 0.00859; 1000 Genomes Project 30x 0.00890.
gnomAD v4.1: 2,879 of 1,613,712 alleles (0.18%); highest among the groups gnomAD compares: African/African-American, 2.3%; 23 homozygotes.

Submissions (10):

Labcorp Genetics (formerly Invitae), Labcorp
Classification: Benign for Neuropathy, hereditary sensory and autonomic, type 2A; Pseudohypoaldosteronism type 2C. Last evaluated: 2026-01-25. Review status: criteria provided, single submitter. Criteria: Invitae Variant Classification Sherloc (09022015). Collection method: clinical testing. Allele origin: germline.

Mayo Clinic Laboratories, Mayo Clinic
Classification: Benign. Last evaluated: 2025-09-30. Review status: criteria provided, single submitter. Criteria: ACMG Guidelines, 2015. Collection method: clinical testing. Allele origin: germline. Observed: 11 variant alleles.
Comment: BS1, BS2, BP4, BP7

ARUP Laboratories, Molecular Genetics and Genomics, ARUP Laboratories
Classification: Benign. Last evaluated: 2025-05-22. Review status: criteria provided, single submitter. Criteria: ARUP Molecular Germline Variant Investigation Process 2024. Collection method: clinical testing. Allele origin: germline.

Fulgent Genetics
Classification: Benign for Neuropathy, hereditary sensory and autonomic, type 2A; Pseudohypoaldosteronism type 2C. Last evaluated: 2021-07-16. Review status: criteria provided, single submitter. Criteria: ACMG Guidelines, 2015. Collection method: clinical testing. Allele origin: unknown.

Athena Diagnostics
Classification: Benign. Last evaluated: 2019-04-09. Review status: criteria provided, single submitter. Criteria: Athena Diagnostics Criteria. Collection method: clinical testing. Allele origin: germline.

GeneDx
Classification: Likely benign. Last evaluated: 2018-07-06. Review status: criteria provided, single submitter. Criteria: GeneDx Variant Classification Process June 2021. Collection method: clinical testing. Allele origin: germline. Affected: yes.

Illumina Laboratory Services, Illumina
Classification: Benign for Pseudohypoaldosteronism type 2C. Last evaluated: 2018-01-13. Review status: criteria provided, single submitter. Criteria: ICSL Variant Classification Criteria 13 December 2019. Collection method: clinical testing. Allele origin: germline.
Comment: This variant was observed in the ICSL laboratory as part of a predisposition screen in an ostensibly healthy population. It had not been previously curated by ICSL or reported in the Human Gene Mutation Database (HGMD: prior to June 1st, 2018), and was therefore a candidate for classification through an automated scoring system. Utilizing variant allele frequency, disease prevalence and penetrance estimates, and inheritance mode, an automated score was calculated to assess if this variant is too frequent to cause the disease. Based on the score and internal cut-off values, a variant classified as benign is not then subjected to further curation. The score for this variant resulted in a classification of benign for this disease.

Breakthrough Genomics
Classification: Likely benign. Review status: criteria provided, single submitter. Criteria: ACMG Guidelines, 2015. Collection method: not provided. Allele origin: germline. Inheritance: Autosomal recessive inheritance. Affected: yes.

Clinical Genetics, Academic Medical Center
Classification: Benign. Review status: no assertion criteria provided. Collection method: clinical testing. Allele origin: germline. Affected: yes. Study: VKGL Data-share Consensus. Not counted in ClinVar's aggregate classification.

Genome Diagnostics Laboratory, University Medical Center Utrecht
Classification: Benign. Review status: no assertion criteria provided. Collection method: clinical testing. Allele origin: germline. Affected: yes. Study: VKGL Data-share Consensus. Not counted in ClinVar's aggregate classification.